The following is an entry in ClinVar:

ClinVar aggregate classification (germline): Pathogenic. Review status: criteria provided, multiple submitters, no conflicts (2 of 4 stars). 4 submissions from 4 submitters: Pathogenic (4). Last evaluated 2025-08-08.

Conditions:
Hereditary cancer-predisposing syndrome. Also called: Tumor predisposition; Hereditary neoplastic syndrome; Neoplastic Syndromes, Hereditary; Hereditary Cancer Syndrome. Identifiers: Orphanet 140162, MedGen C0027672, MeSH D009386, MONDO:0015356.
Multiple endocrine neoplasia, type 1 (MEN1). Also called: MEN I; WERMER SYNDROME; Endocrine adenomatosis multiple; MEN 1; MEA I. Identifiers: Orphanet 652, MedGen C0025267, MeSH D018761, MONDO:0007540, OMIM 131100.

Submissions (4):

Ambry Genetics
Classification: Pathogenic for Hereditary cancer-predisposing syndrome. Last evaluated: 2025-08-08. Review status: criteria provided, single submitter. Criteria: Ambry Variant Classification Scheme 2023. Collection method: clinical testing. Allele origin: germline.
Comment: The p.Q405* pathogenic mutation (also known as c.1213C>T), located in coding exon 8 of the MEN1 gene, results from a C to T substitution at nucleotide position 1213. This changes the amino acid from a glutamine to a stop codon within coding exon 8. This variant was reported in individual(s) with features consistent with multiple endocrine neoplasia type 1 (MEN1) (Park JH et al. Clin. Genet., 2003 Jul;64:48-53; Klein RD et al. Genet. Med., 2005 Feb;7:131-8; J&auml;ger AC et al. Mol. Cell. Endocrinol., 2006 Apr;249:123-32; Pardi E et al. PLoS ONE, 2017 Oct;12:e0186485; Romanet P et al. J. Clin. Endocrinol. Metab., 2019 03;104:753-764). This alteration is expected to result in loss of function by premature protein truncation or nonsense-mediated mRNA decay. As such, this alteration is interpreted as a disease-causing mutation.

Labcorp Genetics (formerly Invitae), Labcorp
Classification: Pathogenic for Multiple endocrine neoplasia, type 1. Last evaluated: 2025-06-05. Review status: criteria provided, single submitter. Criteria: Invitae Variant Classification Sherloc (09022015). Collection method: clinical testing. Allele origin: germline.
Comment: This sequence change creates a premature translational stop signal (p.Gln405*) in the MEN1 gene. It is expected to result in an absent or disrupted protein product. Loss-of-function variants in MEN1 are known to be pathogenic (PMID: 12112656, 17853334). This variant is not present in population databases (gnomAD no frequency). This premature translational stop signal has been observed in individuals with multiple endocrine neoplasia type 1 (MEN1) syndrome (PMID: 12791038, 16563611, 25309785, 29036195). Invitae Evidence Modeling of clinical and family history, age, sex, and reported ancestry of multiple individuals with this MEN1 variant has been performed. This variant is expected to be pathogenic with a positive predictive value of at least 99%. This is a validated machine learning model that incorporates the clinical features of 1,366,787 individuals referred to our laboratory for MEN1 testing. ClinVar contains an entry for this variant (Variation ID: 220643). For these reasons, this variant has been classified as Pathogenic.

GeneDx
Classification: Pathogenic. Last evaluated: 2022-08-23. Review status: criteria provided, single submitter. Criteria: GeneDx Variant Classification Process June 2021. Collection method: clinical testing. Allele origin: germline. Affected: yes.
Comment: Nonsense variant predicted to result in protein truncation or nonsense mediated decay in a gene for which loss-of-function is a known mechanism of disease; Not observed at significant frequency in large population cohorts (gnomAD); This variant is associated with the following publications: (PMID: 25525159, 21252315, 25309785, 16563611, 15714081, 12791038, 30795813, 30339208, 29036195, 30481156, 35521764, 27799361)

ARUP Laboratories, Molecular Genetics and Genomics, ARUP Laboratories
Classification: Pathogenic. Last evaluated: 2016-12-16. Review status: criteria provided, single submitter. Criteria: ARUP Molecular Germline Variant Investigation Process. Collection method: clinical testing. Allele origin: germline.

Literature cited by the submitters: PubMed 12791038 (cited by Ambry Genetics and Labcorp Genetics (formerly Invitae), Labcorp); PubMed 15714081 (cited by Ambry Genetics); PubMed 16563611 (cited by Ambry Genetics and Labcorp Genetics (formerly Invitae), Labcorp); PubMed 29036195 (cited by Ambry Genetics and Labcorp Genetics (formerly Invitae), Labcorp); PubMed 30339208 (cited by Ambry Genetics); PubMed 12112656 (cited by Labcorp Genetics (formerly Invitae), Labcorp); PubMed 17853334 (cited by Labcorp Genetics (formerly Invitae), Labcorp); PubMed 25309785 (cited by Labcorp Genetics (formerly Invitae), Labcorp).

NM_001370259.2(MEN1):c.1213C>T (p.Gln405Ter)

Gene: MEN1 (menin 1; minus strand). Cytogenetic location: 11q13.1.
Variant type: single nucleotide variant.
Coding change: c.1213C>T on transcript NM_001370259.2 (MANE Select); coding-DNA position 1213, C replaced by T.
Protein change: p.Gln405Ter; replaces glutamine 405 with a stop codon.
Molecular consequence: nonsense.
Genome position (GRCh38, 1-based): chr11:64,805,171, G>A on the plus strand (C>T on the coding strand, the complement: MEN1 is on the minus strand). VCF-style: chr11-64805171-G-A. GRCh37 (hg19) VCF-style: chr11-64572643-G-A.
Other names: c.1228C>T, p.Gln410Ter (NM_000244.4, NM_130800.3, NM_130801.3 and 3 more transcripts); c.1339C>T, p.Gln447Ter (NM_001370251.2); c.1213C>T, p.Gln405Ter (NM_001370260.2, NM_001370261.2, NM_130799.3); c.1108C>T, p.Gln370Ter (NM_001370262.2, NM_001370263.2); short protein forms Q410*, Q405*, Q447*, Q370*.
Identifiers: ClinVar variation 220643 (VCV000220643.17), dbSNP rs864622615, ClinGen allele CA349734.